The following is an entry in ClinVar:

NM_001164508.2(NEB):c.8601C>G (p.Tyr2867Ter)

Gene: NEB (nebulin; minus strand). Cytogenetic location: 2q23.3.
Variant type: single nucleotide variant.
Coding change: c.8601C>G on transcript NM_001164508.2 (MANE Select); coding-DNA position 8601, C replaced by G.
Protein change: p.Tyr2867Ter; replaces tyrosine 2867 with a stop codon.
Molecular consequence: nonsense.
Genome position (GRCh38, 1-based): chr2:151,640,439, G>C on the plus strand (C>G on the coding strand, the complement: NEB is on the minus strand). VCF-style: chr2-151640439-G-C. GRCh37 (hg19) VCF-style: chr2-152496953-G-C.
Other names: c.8601C>G, p.Tyr2867Ter (NM_001164507.2, NM_001271208.2, NM_004543.5); short protein forms Y2867*.
Identifiers: ClinVar variation 5013266 (VCV005013266.1).

ClinVar aggregate classification (germline): Pathogenic (1 of 4 stars; one submission).

Conditions:
Nemaline myopathy 2 (NEM2). Also called: Nemaline myopathy 2, autosomal recessive. Identifiers: MedGen C1850569, MONDO:0009725, OMIM 256030.

Submission:

Myriad Genetics, Inc.
Classification: Pathogenic for Nemaline myopathy 2. Last evaluated: 2024-07-01. Review status: criteria provided, single submitter. Criteria: Myriad Autosomal Dominant, Autosomal Recessive and X-Linked Classification Criteria (2023). Collection method: clinical testing. Allele origin: unknown.
Comment: NM_001271208.1(NEB):c.8601C>G(Y2867*) is expected to be pathogenic in the context of NEB-related nemaline myopathy. This variant is predicted to lead to an abnormal or absent protein product due to the creation of a premature termination codon in NEB, a gene where loss-of-function variants are known to be pathogenic. Please note: this variant was assessed in the context of healthy population screening.